The following is an entry in ClinVar:

NM_001206927.2(DNAH8):c.4800A>T (p.Arg1600Ser)

Gene: DNAH8 (dynein axonemal heavy chain 8; plus strand). Cytogenetic location: 6p21.2.
Variant type: single nucleotide variant.
Coding change: c.4800A>T on transcript NM_001206927.2 (MANE Select); coding-DNA position 4800, A replaced by T.
Protein change: p.Arg1600Ser; replaces arginine 1600 with serine.
Molecular consequence: missense variant.
Genome position (GRCh38, 1-based): chr6:38,842,858, A>T. VCF-style: chr6-38842858-A-T. GRCh37 (hg19) VCF-style: chr6-38810634-A-T.
Other names: c.4149A>T, p.Arg1383Ser (NM_001371.4); short protein forms R1600S, R1383S.
Identifiers: ClinVar variation 579789 (VCV000579789.31), dbSNP rs141012833, ClinGen allele CA3789206.

ClinVar aggregate classification (germline): Conflicting classifications of pathogenicity. Review status: criteria provided, conflicting classifications (1 of 4 stars). 3 submissions from 3 submitters: Uncertain significance (2); Likely benign (1). Last evaluated 2025-05-27.

Conditions:
Primary ciliary dyskinesia. Also called: Ciliary dyskinesia. Identifiers: Orphanet 244, MedGen C0008780, MONDO:0016575, HP:0012265.

Allele frequency attached by ClinVar (database versions not stated): gnomAD exomes 0.00005 and 0.00016; ExAC 0.00020; 1000 Genomes Project 30x 0.00047; gnomAD 0.00055 and 0.00059; 1000 Genomes Project 0.00060; TOPMed 0.00062; ESP Exome Variant Server 0.00100.
gnomAD v4.1: 157 of 1,613,836 alleles (0.0097%); highest among the groups gnomAD compares: African/African-American, 0.18%; no homozygotes.

Submissions (3):

Labcorp Genetics (formerly Invitae), Labcorp
Classification: Likely benign for Primary ciliary dyskinesia. Last evaluated: 2025-05-27. Review status: criteria provided, single submitter. Criteria: Invitae Variant Classification Sherloc (09022015). Collection method: clinical testing. Allele origin: germline.

Ambry Genetics
Classification: Uncertain significance. Last evaluated: 2025-02-20. Review status: criteria provided, single submitter. Criteria: Ambry Variant Classification Scheme 2023. Collection method: clinical testing. Allele origin: germline.

CeGaT Center for Human Genetics Tuebingen
Classification: Uncertain significance. Last evaluated: 2024-07-01. Review status: criteria provided, single submitter. Criteria: CeGaT Center For Human Genetics Tuebingen Variant Classification Criteria Version 2. Collection method: clinical testing. Allele origin: germline. Affected: yes. Observed: 1 variant allele.
Comment: DNAH8: PM2:Supporting, BP4